The following is an entry in ClinVar:

NM_001252024.2(TRPM1):c.732C>T (p.Ala244=)

Gene: TRPM1 (transient receptor potential cation channel subfamily M member 1; minus strand). Cytogenetic location: 15q13.3.
Variant type: single nucleotide variant.
Coding change: c.732C>T on transcript NM_001252024.2 (MANE Select); coding-DNA position 732, C replaced by T.
Protein change: p.Ala244=; no amino-acid change (alanine 244 retained).
Molecular consequence: synonymous variant.
Genome position (GRCh38, 1-based): chr15:31,066,134, G>A on the plus strand (C>T on the coding strand, the complement: TRPM1 is on the minus strand). VCF-style: chr15-31066134-G-A. GRCh37 (hg19) VCF-style: chr15-31358337-G-A.
Other names: c.783C>T, p.Ala261= (NM_001252020.2); c.666C>T, p.Ala222= (NM_002420.6); c.783C>T (NM_001252020.1).
Identifiers: ClinVar variation 1083025 (VCV001083025.12), dbSNP rs369844820, ClinGen allele CA7452859.
Genomic context (GRCh38, chr15:31,066,134, plus strand): 5'-ACTTGTGTTGATCTTCTGCAGGGAGATGTGCTTTTCCAGCAGCCTTCGCAGCTTCACCTC[G>A]GCGCCATACTTGCCCAGGGTGCCATTGTCAGCCAGGATGAAGTGGGTGTGGGAGTTGTTG-3'
Protein context (NP_001238953.1, residues 234-254): ADNGTLGKYG[Ala244=]EVKLRRLLEK

ClinVar aggregate classification (germline): Likely benign. Review status: criteria provided, multiple submitters, no conflicts (2 of 4 stars). 3 submissions from 3 submitters: Likely benign (3). Last evaluated 2025-08-09.

Conditions:
TRPM1-related disorder. Also called: TRPM1-related condition.

Allele frequency attached by ClinVar (database versions not stated): ExAC 0.00003; gnomAD exomes 0.00004; TOPMed 0.00007; gnomAD 0.00008 and 0.00009; ESP Exome Variant Server 0.00016.
gnomAD v4.1: 43 of 1,614,018 alleles (0.0027%); highest among the groups gnomAD compares: African/African-American, 0.019%; no homozygotes.

Submissions (3):

PreventionGenetics, part of Exact Sciences
Classification: Likely benign for TRPM1-related condition. Last evaluated: 2025-08-09. Review status: criteria provided, single submitter. Criteria: ACMG Guidelines, 2015. Collection method: clinical testing. Allele origin: germline.
Comment: This variant is classified as likely benign based on ACMG/AMP sequence variant interpretation guidelines (Richards et al. 2015 PMID: 25741868, with internal and published modifications).

Labcorp Genetics (formerly Invitae), Labcorp
Classification: Likely benign. Last evaluated: 2024-12-31. Review status: criteria provided, single submitter. Criteria: Invitae Variant Classification Sherloc (09022015). Collection method: clinical testing. Allele origin: germline.

Blueprint Genetics
Classification: Likely benign. Last evaluated: 2021-09-06. Review status: criteria provided, single submitter. Criteria: ACMG Guidelines, 2015. Collection method: clinical testing. Allele origin: germline.